The following is an entry in ClinVar:

NM_001376.5(DYNC1H1):c.2718+20A>G

Gene: DYNC1H1 (dynein cytoplasmic 1 heavy chain 1; plus strand). Cytogenetic location: 14q32.31.
Variant type: single nucleotide variant.
Coding change: c.2718+20A>G on transcript NM_001376.5 (MANE Select); 20 bases into the intron after coding-DNA position 2718, A replaced by G.
Molecular consequence: intron variant.
Genome position (GRCh38, 1-based): chr14:101,987,652, A>G. VCF-style: chr14-101987652-A-G. GRCh37 (hg19) VCF-style: chr14-102453989-A-G.
Identifiers: ClinVar variation 512826 (VCV000512826.4), dbSNP rs370794188, ClinGen allele CA266981949.

ClinVar aggregate classification (germline): Likely benign. Review status: criteria provided, multiple submitters, no conflicts (2 of 4 stars). 2 submissions from 2 submitters: Likely benign (2). Last evaluated 2023-01-26.

Conditions:
Charcot-Marie-Tooth disease axonal type 2O. Also called: Charcot-Marie-Tooth Neuropathy Type 2O; Charcot-Marie-Tooth disease, axonal, type 20; CHARCOT-MARIE-TOOTH NEUROPATHY, AXONAL, TYPE 2O; CHARCOT-MARIE-TOOTH DISEASE, AXONAL, AUTOSOMAL DOMINANT, TYPE 2O. Identifiers: Orphanet 284232, MedGen C3280220, MONDO:0013644, OMIM 614228.

Allele frequency attached by ClinVar (database versions not stated): gnomAD exomes below 0.00001; TOPMed 0.00003; ESP Exome Variant Server 0.00008.
gnomAD v4.1: 2 of 1,614,044 alleles (0.00012%); highest among the groups gnomAD compares: Non-Finnish European, 0.00017%; no homozygotes.

Submissions (2):

Labcorp Genetics (formerly Invitae), Labcorp
Classification: Likely benign for Charcot-Marie-Tooth disease axonal type 2O. Last evaluated: 2023-01-26. Review status: criteria provided, single submitter. Criteria: Invitae Variant Classification Sherloc (09022015). Collection method: clinical testing. Allele origin: germline.

GeneDx
Classification: Likely benign. Last evaluated: 2017-10-26. Review status: criteria provided, single submitter. Criteria: GeneDx Variant Classification (06012015). Collection method: clinical testing. Allele origin: germline. Affected: yes.
Comment: This variant is considered likely benign or benign based on one or more of the following criteria: it is a conservative change, it occurs at a poorly conserved position in the protein, it is predicted to be benign by multiple in silico algorithms, and/or has population frequency not consistent with disease.